The following is an entry in ClinVar:

NM_005219.5(DIAPH1):c.2028_2030del (p.Pro680del)

Gene: DIAPH1 (diaphanous related formin 1; minus strand). Cytogenetic location: 5q31.3.
Variant type: Deletion.
Coding change: c.2028_2030del on transcript NM_005219.5 (MANE Select); coding-DNA positions 2028 to 2030, 3 bases deleted (CCC; older notation c.2028_2030delCCC).
Protein change: p.Pro680del; deletes proline 680.
Molecular consequence: inframe deletion.
Genome position (GRCh38, 1-based): chr5:141,573,820-141,573,822, GGG deleted on the plus strand (CCC on the coding strand, the reverse complement: DIAPH1 is on the minus strand); deleting any 3 consecutive bases within chr5:141,573,820-141,573,825 gives the same sequence; the c. name uses the placement nearest the transcript's 3' end. VCF-style (leftmost placement, unchanged base first): chr5-141573819-TGGG-T. GRCh37 (hg19) VCF-style: chr5-140953386-TGGG-T.
Other names: c.2001_2003del, p.Pro671del (NM_001079812.3); c.2028_2030del, p.Pro680del (NM_001314007.2); short protein forms P680del, P671del.
Identifiers: ClinVar variation 2940576 (VCV002940576.3), dbSNP rs2099895551, ClinGen allele CA913108377.

ClinVar aggregate classification (germline): Uncertain significance (1 of 4 stars; one submission).

Conditions:
Progressive microcephaly-seizures-cortical blindness-developmental delay syndrome. Also called: Seizures, cortical blindness, and microcephaly syndrome. Identifiers: Orphanet 477814, MedGen C5567650, MONDO:0014714, OMIM 616632.
Autosomal dominant nonsyndromic hearing loss 1. Also called: KONIGSMARK SYNDROME; DEAFNESS, AUTOSOMAL DOMINANT 1, WITH OR WITHOUT THROMBOCYTOPENIA. Identifiers: Orphanet 90635, MedGen C1852282, MONDO:0007424, OMIM 124900.

Submission:

Labcorp Genetics (formerly Invitae), Labcorp
Classification: Uncertain significance for Progressive microcephaly-seizures-cortical blindness-developmental delay syndrome; Autosomal dominant nonsyndromic hearing loss 1. Last evaluated: 2024-01-19. Review status: criteria provided, single submitter. Criteria: Invitae Variant Classification Sherloc (09022015). Collection method: clinical testing. Allele origin: germline.
Comment: This variant, c.2028_2030del, results in the deletion of 1 amino acid(s) of the DIAPH1 protein (p.Pro680del), but otherwise preserves the integrity of the reading frame. This variant is not present in population databases (gnomAD no frequency). This variant has not been reported in the literature in individuals affected with DIAPH1-related conditions. Experimental studies and prediction algorithms are not available or were not evaluated, and the functional significance of this variant is currently unknown. In summary, the available evidence is currently insufficient to determine the role of this variant in disease. Therefore, it has been classified as a Variant of Uncertain Significance.